The following is an entry in ClinVar:

ClinVar aggregate classification (germline): Likely pathogenic (1 of 4 stars; one submission).

Conditions:
Mitochondrial DNA depletion syndrome 6 (hepatocerebral type). Also called: NAVAJO NEUROPATHY; Mitochondrial DNA depletion syndrome type 6; Navajo neurohepatopathy. Identifiers: Orphanet 255229, MedGen C1850406, MONDO:0009747, OMIM 256810.

Submission:

SIB Swiss Institute of Bioinformatics
Classification: Likely pathogenic for Mitochondrial DNA depletion syndrome 6 (hepatocerebral type). Last evaluated: 2019-08-13. Review status: criteria provided, single submitter. Criteria: ACMG Guidelines, 2015. Collection method: curation. Allele origin: unknown.
Comment: This variant is interpreted as a Likely pathogenic for Mitochondrial DNA depletion syndrome 6, autosomal recessive. The following ACMG Tag(s) were applied: PM2, PP3, PM3, PS3-supporting.

Literature cited by the submitters: PubMed 23714749; PubMed 28207748.

NM_002437.5(MPV17):c.67G>C (p.Ala23Pro)

Gene: MPV17 (mitochondrial inner membrane protein MPV17; minus strand). Cytogenetic location: 2p23.3.
Variant type: single nucleotide variant.
Coding change: c.67G>C on transcript NM_002437.5 (MANE Select); coding-DNA position 67, G replaced by C.
Protein change: p.Ala23Pro; replaces alanine 23 with proline.
Molecular consequence: missense variant.
Genome position (GRCh38, 1-based): chr2:27,322,451, C>G on the plus strand (G>C on the coding strand, the complement: MPV17 is on the minus strand). VCF-style: chr2-27322451-C-G. GRCh37 (hg19) VCF-style: chr2-27545318-C-G.
Other names: short protein forms A23P.
Identifiers: ClinVar variation 694361 (VCV000694361.1), dbSNP rs1572555080, ClinGen allele CA346160700.